The following is an entry in ClinVar:

ClinVar aggregate classification (germline): Uncertain significance. Review status: criteria provided, multiple submitters, no conflicts (2 of 4 stars). 2 submissions from 2 submitters: Uncertain significance (2). Last evaluated 2024-07-03.

Conditions:
Hereditary cancer-predisposing syndrome. Also called: Tumor predisposition; Neoplastic Syndromes, Hereditary; Hereditary Cancer Syndrome; Hereditary neoplastic syndrome. Identifiers: Orphanet 140162, MedGen C0027672, MeSH D009386, MONDO:0015356.
Fanconi anemia complementation group J. Also called: BRIP1-Related Fanconi Anemia. Identifiers: Orphanet 84, MedGen C1836860, MONDO:0012187, OMIM 609054.
Familial cancer of breast. Also called: BREAST CANCER, FAMILIAL; Hereditary breast cancer; hereditary breast carcinoma. Identifiers: Orphanet 227535, MedGen C0346153, MONDO:0016419, OMIM 114480. Disease mechanism: loss of function.

Submissions (2):

Labcorp Genetics (formerly Invitae), Labcorp
Classification: Uncertain significance for Familial cancer of breast; Fanconi anemia complementation group J. Last evaluated: 2024-07-03. Review status: criteria provided, single submitter. Criteria: Invitae Variant Classification Sherloc (09022015). Collection method: clinical testing. Allele origin: germline.
Comment: This sequence change replaces threonine, which is neutral and polar, with isoleucine, which is neutral and non-polar, at codon 483 of the BRIP1 protein (p.Thr483Ile). This variant is not present in population databases (gnomAD no frequency). This variant has not been reported in the literature in individuals affected with BRIP1-related conditions. ClinVar contains an entry for this variant (Variation ID: 479484). Advanced modeling of protein sequence and biophysical properties (such as structural, functional, and spatial information, amino acid conservation, physicochemical variation, residue mobility, and thermodynamic stability) performed at Invitae indicates that this missense variant is expected to disrupt BRIP1 protein function with a positive predictive value of 80%. In summary, the available evidence is currently insufficient to determine the role of this variant in disease. Therefore, it has been classified as a Variant of Uncertain Significance.

Ambry Genetics
Classification: Uncertain significance for Hereditary cancer-predisposing syndrome. Last evaluated: 2017-09-14. Review status: criteria provided, single submitter. Criteria: Ambry Variant Classification Scheme 2023. Collection method: clinical testing. Allele origin: germline.
Comment: The p.T483I variant (also known as c.1448C>T), located in coding exon 9 of the BRIP1 gene, results from a C to T substitution at nucleotide position 1448. The threonine at codon 483 is replaced by isoleucine, an amino acid with similar properties. This amino acid position is highly conserved in available vertebrate species. In addition, the in silico prediction for this alteration is inconclusive. Since supporting evidence is limited at this time, the clinical significance of this alteration remains unclear.

NM_032043.3(BRIP1):c.1448C>T (p.Thr483Ile)

Gene: BRIP1 (BRCA1 interacting DNA helicase 1; minus strand). Cytogenetic location: 17q23.2.
Variant type: single nucleotide variant.
Coding change: c.1448C>T on transcript NM_032043.3 (MANE Select); coding-DNA position 1448, C replaced by T.
Protein change: p.Thr483Ile; replaces threonine 483 with isoleucine.
Molecular consequence: missense variant.
Genome position (GRCh38, 1-based): chr17:61,793,622, G>A on the plus strand (C>T on the coding strand, the complement: BRIP1 is on the minus strand). VCF-style: chr17-61793622-G-A. GRCh37 (hg19) VCF-style: chr17-59870983-G-A.
Other names: short protein forms T483I.
Identifiers: ClinVar variation 479484 (VCV000479484.7), dbSNP rs1555605874, ClinGen allele CA400482081.